The following is an entry in ClinVar:

ClinVar aggregate classification (germline): Likely benign (1 of 4 stars; one submission).

Allele frequency attached by ClinVar (database versions not stated): gnomAD 0.02558 and 0.03040; TOPMed 0.03468; 1000 Genomes Project 30x 0.07448; 1000 Genomes Project 0.07688.
gnomAD v4.1: 4,597 of 152,222 alleles (3%); highest among the groups gnomAD compares: East Asian, 16%; 192 homozygotes.

Submission:

GeneDx
Classification: Likely benign. Last evaluated: 2018-06-16. Review status: criteria provided, single submitter. Criteria: GeneDx Variant Classification (06012015). Collection method: clinical testing. Allele origin: germline. Affected: yes.
Comment: This variant is considered likely benign or benign based on one or more of the following criteria: it is a conservative change, it occurs at a poorly conserved position in the protein, it is predicted to be benign by multiple in silico algorithms, and/or has population frequency not consistent with disease.

NM_012330.4(KAT6B):c.2630-218C>T

Gene: KAT6B (lysine acetyltransferase 6B; plus strand). Cytogenetic location: 10q22.2.
Variant type: single nucleotide variant.
Coding change: c.2630-218C>T on transcript NM_012330.4 (MANE Select); 218 bases into the intron before coding-DNA position 2630, C replaced by T.
Molecular consequence: intron variant.
Genome position (GRCh38, 1-based): chr10:75,020,364, C>T. VCF-style: chr10-75020364-C-T. GRCh37 (hg19) VCF-style: chr10-76780122-C-T.
Other names: c.1754-218C>T (NM_001370139.1, NM_001370140.1, NM_001370141.1 and 2 more transcripts); c.2630-218C>T (NM_001370136.1, NM_001370137.1); c.2081-218C>T (NM_001370138.1, NM_001256468.2); c.941-218C>T (NM_001370133.1); c.545-218C>T (NM_001370134.1); c.1565-218C>T (NM_001370143.1, NM_001370144.1); c.1592-218C>T (NM_001370132.1); c.287-218C>T (NM_001370135.1).
Identifiers: ClinVar variation 561616 (VCV000561616.1), dbSNP rs2242012, ClinGen allele CA15640677.
Genomic context (GRCh38, chr10:75,020,364, plus strand): 5'-ATAGCTTTTAGTCTTTGTTAAATATGTCACAATATGTGTTTGGAATGCTGCTGCTAGCTG[C>T]GTGAATTGACTTAGAGTGCCACTGTCAAAGATTCAGGAGCGTAAACTTCACGGAGATCAA-3'